The following is an entry in ClinVar:

ClinVar aggregate classification (germline): Benign. Review status: criteria provided, multiple submitters, no conflicts (2 of 4 stars). 2 submissions from 2 submitters: Benign (2). Last evaluated 2018-06-14.

Allele frequency attached by ClinVar (database versions not stated): gnomAD 0.11137 and 0.11678; TOPMed 0.11630; gnomAD exomes 0.13740; 1000 Genomes Project 30x 0.16661; 1000 Genomes Project 0.17192.
gnomAD v4.1: 159,764 of 1,182,786 alleles (14%); highest among the groups gnomAD compares: East Asian, 40%; 12,647 homozygotes.

Submissions (2):

GeneDx
Classification: Benign. Last evaluated: 2018-06-14. Review status: criteria provided, single submitter. Criteria: GeneDx Variant Classification (06012015). Collection method: clinical testing. Allele origin: germline. Affected: yes.
Comment: This variant is considered likely benign or benign based on one or more of the following criteria: it is a conservative change, it occurs at a poorly conserved position in the protein, it is predicted to be benign by multiple in silico algorithms, and/or has population frequency not consistent with disease.

Breakthrough Genomics
Classification: Benign. Review status: criteria provided, single submitter. Criteria: ACMG Guidelines, 2015. Collection method: not provided. Allele origin: germline. Inheritance: Autosomal recessive inheritance. Affected: yes.

NM_025150.5(TARS2):c.1020+96C>T

Gene: TARS2 (threonyl-tRNA synthetase 2, mitochondrial; plus strand). Cytogenetic location: 1q21.2.
Variant type: single nucleotide variant.
Coding change: c.1020+96C>T on transcript NM_025150.5 (MANE Select); 96 bases into the intron after coding-DNA position 1020, C replaced by T.
Molecular consequence: intron variant.
Genome position (GRCh38, 1-based): chr1:150,497,004, C>T. VCF-style: chr1-150497004-C-T. GRCh37 (hg19) VCF-style: chr1-150469480-C-T.
Other names: c.775-526C>T (NM_001271895.2); c.631-526C>T (NM_001271896.2).
Identifiers: ClinVar variation 676426 (VCV000676426.2), dbSNP rs12119249, ClinGen allele CA10971642.